The following is an entry in ClinVar:

ClinVar aggregate classification (germline): Uncertain significance (1 of 4 stars; one submission).

Conditions:
Hepatic veno-occlusive disease-immunodeficiency syndrome. Also called: Hepatic Veno-Occlusive Disease with Immunodeficiency. Identifiers: Orphanet 79124, MedGen C1856128, MONDO:0009338, OMIM 235550. Disease mechanism: loss of function.

Allele frequency attached by ClinVar (database versions not stated): TOPMed 0.00002.
gnomAD v4.1: 59 of 1,613,714 alleles (0.0037%); highest among the groups gnomAD compares: Non-Finnish European, 0.004%; no homozygotes.

Submission:

Labcorp Genetics (formerly Invitae), Labcorp
Classification: Uncertain significance for Hepatic veno-occlusive disease-immunodeficiency syndrome. Last evaluated: 2021-08-24. Review status: criteria provided, single submitter. Criteria: Invitae Variant Classification Sherloc (09022015). Collection method: clinical testing. Allele origin: germline.
Comment: This sequence change replaces arginine with cysteine at codon 91 of the SP110 protein (p.Arg91Cys). The arginine residue is moderately conserved and there is a large physicochemical difference between arginine and cysteine. This variant is present in population databases (rs201053153, ExAC 0.02%). This variant has not been reported in the literature in individuals affected with SP110-related conditions. Algorithms developed to predict the effect of missense changes on protein structure and function output the following: SIFT: "Deleterious"; PolyPhen-2: "Benign"; Align-GVGD: "Class C0". The cysteine amino acid residue is found in multiple mammalian species, which suggests that this missense change does not adversely affect protein function. In summary, the available evidence is currently insufficient to determine the role of this variant in disease. Therefore, it has been classified as a Variant of Uncertain Significance.

NM_080424.4(SP110):c.271C>T (p.Arg91Cys)

Genes: SP140 (SP140 nuclear body protein; plus strand), SP110 (SP110 nuclear body protein; minus strand). Cytogenetic location: 2q37.1.
Variant type: single nucleotide variant.
Coding change: c.271C>T on transcript NM_080424.4 (MANE Select); coding-DNA position 271, C replaced by T.
Protein change: p.Arg91Cys; replaces arginine 91 with cysteine.
Molecular consequence: missense variant.
Genome position (GRCh38, 1-based): chr2:230,214,995, G>A on the plus strand (C>T on the coding strand, the complement: SP110 is on the minus strand). VCF-style: chr2-230214995-G-A. GRCh37 (hg19) VCF-style: chr2-231079710-G-A.
Other names: c.289C>T, p.Arg97Cys (NM_001185015.2, NM_001378442.1, NM_001378444.1 and 2 more transcripts); c.271C>T, p.Arg91Cys (NM_001378443.1, NM_001378447.1, NM_004509.5 and 1 more transcripts); short protein forms R91C, R97C.
Identifiers: ClinVar variation 1026985 (VCV001026985.6), dbSNP rs201053153, ClinGen allele CA2154873.
Genomic context (GRCh38, chr2:230,214,995, plus strand): 5'-GAGAAATCTCATTACCACGTTTGAAGCTTCTGTAAATCGTCACCAGATTGGGATATTCAC[G>A]CAGGTTAATTTGACTGAACAATGTCACCAGAAGAGACAGGTTAAAAGTCCTCTCCAGTTG-3'
Protein context (NP_536349.3, residues 81-101): LVTLFSQINL[Arg91Cys]EYPNLVTIYR